The following is an entry in ClinVar:

NM_018082.6(POLR3B):c.3392A>G (p.Tyr1131Cys)

Genes: POLR3B (RNA polymerase III subunit B; plus strand), RFX4-AS1 (RFX4 antisense RNA 1; minus strand). Cytogenetic location: 12q23.3.
Variant type: single nucleotide variant.
Coding change: c.3392A>G on transcript NM_018082.6 (MANE Select); coding-DNA position 3392, A replaced by G.
Protein change: p.Tyr1131Cys; replaces tyrosine 1131 with cysteine.
Molecular consequence: missense variant.
Genome position (GRCh38, 1-based): chr12:106,509,539, A>G. VCF-style: chr12-106509539-A-G. GRCh37 (hg19) VCF-style: chr12-106903317-A-G.
Other names: c.3218A>G, p.Tyr1073Cys (NM_001160708.2); short protein forms Y1073C, Y1131C.
Identifiers: ClinVar variation 4885756 (VCV004885756.2).

ClinVar aggregate classification (germline): Uncertain significance (1 of 4 stars; one submission).

Submission:

Dasa
Classification: Uncertain significance. Last evaluated: 2025-02-10. Review status: criteria provided, single submitter. Criteria: DASA Assertion Criteria. Collection method: clinical testing. Allele origin: germline.
Comment: NM_018082.6(POLR3B):c.3392A>G (p.Tyr1131Cys) is a missense variant that results in the substitution of tyrosine with cysteine. This variant is absent from population databases. The currently available literature and clinical evidence are not sufficient to establish a definitive association between this variant and the reported condition. Therefore, this variant is classified as a variant of uncertain significance.